The following is an entry in ClinVar:

NM_002857.4(PEX19):c.*2353G>T

Gene: PEX19 (peroxisomal biogenesis factor 19; minus strand). Cytogenetic location: 1q23.2.
Variant type: single nucleotide variant.
Coding change: c.*2353G>T on transcript NM_002857.4 (MANE Select); 2353 bases downstream of the stop codon, G replaced by T.
Molecular consequence: 3 prime UTR variant. On other transcripts: non-coding transcript variant (2).
Genome position (GRCh38, 1-based): chr1:160,277,198, C>A on the plus strand (G>T on the coding strand, the complement: PEX19 is on the minus strand). VCF-style: chr1-160277198-C-A. GRCh37 (hg19) VCF-style: chr1-160246988-C-A.
Other names: c.*2361G>T (NM_001193644.1).
Identifiers: ClinVar variation 293195 (VCV000293195.6), dbSNP rs9853, ClinGen allele CA1197069.

ClinVar aggregate classification (germline): Benign. Review status: criteria provided, multiple submitters, no conflicts (2 of 4 stars). 2 submissions from 2 submitters: Benign (2). Last evaluated 2018-01-12.

Conditions:
Peroxisome biogenesis disorder 12A (Zellweger). Also called: Peroxisome biogenesis disorder 12A. Identifiers: Orphanet 912, MedGen C3554002, MONDO:0013951, OMIM 614886.

Allele frequency attached by ClinVar (database versions not stated): gnomAD exomes 0.00547 and 0.00907; 1000 Genomes Project 0.04313; gnomAD 0.04113 and 0.04407; TOPMed 0.04515; ExAC 0.00297; 1000 Genomes Project 30x 0.04731.
gnomAD v4.1: 7,918 of 455,484 alleles (1.7%); highest among the groups gnomAD compares: African/African-American, 14%; 451 homozygotes.

Submissions (2):

Illumina Laboratory Services, Illumina
Classification: Benign for Peroxisome biogenesis disorder 12A (Zellweger). Last evaluated: 2018-01-12. Review status: criteria provided, single submitter. Criteria: ICSL Variant Classification Criteria 13 December 2019. Collection method: clinical testing. Allele origin: germline.
Comment: This variant was observed in the ICSL laboratory as part of a predisposition screen in an ostensibly healthy population. It had not been previously curated by ICSL or reported in the Human Gene Mutation Database (HGMD: prior to June 1st, 2018), and was therefore a candidate for classification through an automated scoring system. Utilizing variant allele frequency, disease prevalence and penetrance estimates, and inheritance mode, an automated score was calculated to assess if this variant is too frequent to cause the disease. Based on the score and internal cut-off values, a variant classified as benign is not then subjected to further curation. The score for this variant resulted in a classification of benign for this disease.

Breakthrough Genomics
Classification: Benign. Review status: criteria provided, single submitter. Criteria: ACMG Guidelines, 2015. Collection method: not provided. Allele origin: germline. Inheritance: Autosomal recessive inheritance. Affected: yes.